The following is an entry in ClinVar:

NM_001286445.3(RIPOR2):c.965G>A (p.Arg322Gln)

Gene: RIPOR2 (RHO family interacting cell polarization regulator 2; minus strand). Cytogenetic location: 6p22.3.
Variant type: single nucleotide variant.
Coding change: c.965G>A on transcript NM_001286445.3 (MANE Select); coding-DNA position 965, G replaced by A.
Protein change: p.Arg322Gln; replaces arginine 322 with glutamine.
Molecular consequence: missense variant.
Genome position (GRCh38, 1-based): chr6:24,849,871, C>T on the plus strand (G>A on the coding strand, the complement: RIPOR2 is on the minus strand). VCF-style: chr6-24849871-C-T. GRCh37 (hg19) VCF-style: chr6-24850099-C-T.
Other names: c.980G>A, p.Arg327Gln (NM_001286446.3); c.878G>A, p.Arg293Gln (NM_001286447.2, NM_001346031.2, NM_001346032.2 and 2 more transcripts); short protein forms R322Q, R327Q, R293Q.
Identifiers: ClinVar variation 667321 (VCV000667321.11), dbSNP rs745837159, ClinGen allele CA3659375.

ClinVar aggregate classification (germline): Uncertain significance. Review status: criteria provided, multiple submitters, no conflicts (2 of 4 stars). 2 submissions from 2 submitters: Uncertain significance (2). Last evaluated 2023-12-11.

Allele frequency attached by ClinVar (database versions not stated): ExAC 0.00002; TOPMed 0.00003; gnomAD 0.00005.
gnomAD v4.1: 21 of 1,613,650 alleles (0.0013%); highest among the groups gnomAD compares: African/African-American, 0.0093%; no homozygotes.

Submissions (2):

Labcorp Genetics (formerly Invitae), Labcorp
Classification: Uncertain significance. Last evaluated: 2023-12-11. Review status: criteria provided, single submitter. Criteria: Invitae Variant Classification Sherloc (09022015). Collection method: clinical testing. Allele origin: germline.
Comment: This sequence change replaces arginine, which is basic and polar, with glutamine, which is neutral and polar, at codon 293 of the FAM65B protein (p.Arg293Gln). This variant is present in population databases (rs745837159, gnomAD 0.008%). This variant has not been reported in the literature in individuals affected with FAM65B-related conditions. ClinVar contains an entry for this variant (Variation ID: 667321). An algorithm developed to predict the effect of missense changes on protein structure and function (PolyPhen-2) suggests that this variant is likely to be tolerated. In summary, the available evidence is currently insufficient to determine the role of this variant in disease. Therefore, it has been classified as a Variant of Uncertain Significance.

Laboratory for Molecular Medicine, Mass General Brigham Personalized Medicine
Classification: Uncertain significance. Last evaluated: 2018-02-14. Review status: criteria provided, single submitter. Criteria: LMM Criteria. Collection method: clinical testing. Allele origin: germline. Observed: 1 variant allele.
Comment: The p.Arg293Gln variant in RIPOR2 has not been previously reported in individual s with hearing loss, but has been identified in 2/24014 African chromosomes and 1/18866 East Asian chromosomes by the Genome Aggregation Database (gnomAD; dbSNP rs745837159). Although this variant has been seen in the general population, its frequency is not high enough to rule out a p athogenic role. Arginine (Arg) at position 293 is not conserved in mammals or ev olutionarily distant species, raising the possibility that this change may be to lerated. Additional computational prediction tools support that the variant may not impact the protein, though this information is not predictive enough to rule out pathogenicity. In summary, the clinical significance of the p.Arg293Gln var iant is uncertain. ACMG/AMP Criteria applied: BP4.